The following is an entry in ClinVar:

NM_012199.5(AGO1):c.566C>T (p.Pro189Leu)

Gene: AGO1 (argonaute RISC component 1; plus strand). Cytogenetic location: 1p34.3.
Variant type: single nucleotide variant.
Coding change: c.566C>T on transcript NM_012199.5 (MANE Select); coding-DNA position 566, C replaced by T.
Protein change: p.Pro189Leu; replaces proline 189 with leucine.
Molecular consequence: missense variant.
Genome position (GRCh38, 1-based): chr1:35,893,727, C>T. VCF-style: chr1-35893727-C-T. GRCh37 (hg19) VCF-style: chr1-36359328-C-T.
Other names: c.566C>T (NM_012199.3); c.566C>T, p.Pro189Leu (NM_001317122.2); c.341C>T, p.Pro114Leu (NM_001317123.2); short protein forms P189L, P114L.
Identifiers: ClinVar variation 547981 (VCV000547981.17), dbSNP rs1553154069, ClinGen allele CA339367352.

ClinVar aggregate classification (germline): Likely pathogenic. Review status: criteria provided, multiple submitters, no conflicts (2 of 4 stars). 5 submissions from 5 submitters: Likely pathogenic (5). Last evaluated 2025-12-29.

Conditions:
Neurodevelopmental disorder with language delay and behavioral abnormalities, with or without seizures (NEDLBAS). Identifiers: MedGen C5830365, MONDO:0859531, OMIM 620292.

Allele frequency attached by ClinVar (database versions not stated): gnomAD exomes below 0.00001.
gnomAD v4.1: 2 of 1,614,010 alleles (0.00012%); highest among the groups gnomAD compares: Non-Finnish European, 0.00017%; no homozygotes.

Submissions (5):

3billion
Classification: Likely pathogenic for Neurodevelopmental disorder with language delay and behavioral abnormalities, with or without seizures. Last evaluated: 2025-12-29. Review status: criteria provided, single submitter. Criteria: ACMG Guidelines, 2015. Collection method: clinical testing. Allele origin: germline. Affected: yes.
Comment: The variant is observed at an extremely low frequency in the gnomAD v4.1.0 dataset (total allele frequency: <0.001%). Predicted Consequence/Location: Missense variant. Missense changes are a common disease-causing mechanism. In silico tool predictions suggest damaging effect of the variant on gene or gene product [3Cnet: 0.78 (> 0.75, sensitivity 0.96 and precision 0.92)]. The same nucleotide change resulting in the same amino acid change has been previously reported as pathogenic/likely pathogenic with strong evidence (ClinVar ID: VCV000547981 /PMID: 33144682). Therefore, this variant is classified as Likely pathogenic according to the recommendation of ACMG/AMP guideline.

CeGaT Center for Human Genetics Tuebingen
Classification: Likely pathogenic. Last evaluated: 2025-08-01. Review status: criteria provided, single submitter. Criteria: CeGaT Center For Human Genetics Tuebingen Variant Classification Criteria Version 2. Collection method: clinical testing. Allele origin: germline. Affected: yes. Observed: 2 variant alleles.
Comment: AGO1: PM1, PM2, PS2:Moderate, PS4:Supporting

Mayo Clinic Laboratories, Mayo Clinic
Classification: Likely pathogenic. Last evaluated: 2025-05-22. Review status: criteria provided, single submitter. Criteria: ACMG Guidelines, 2015. Collection method: clinical testing. Allele origin: de novo.
Comment: PS2, PM1, PP2

Institute of Human Genetics, University of Leipzig Medical Center
Classification: Likely pathogenic for Neurodevelopmental disorder with language delay and behavioral abnormalities, with or without seizures. Last evaluated: 2024-08-09. Review status: criteria provided, single submitter. Criteria: ACMG Guidelines, 2015. Collection method: clinical testing. Allele origin: unknown. Inheritance: Autosomal dominant inheritance. Affected: yes.
Comment: Criteria applied: PS2_MOD,PM1,PS4_SUP,PM2_SUP

GeneDx
Classification: Likely pathogenic. Last evaluated: 2023-11-13. Review status: criteria provided, single submitter. Criteria: GeneDx Variant Classification Process June 2021. Collection method: clinical testing. Allele origin: germline. Affected: yes.
Comment: Not observed at significant frequency in large population cohorts (gnomAD); In silico analysis supports that this missense variant has a deleterious effect on protein structure/function; This variant is associated with the following publications: (PMID: 34930816, 33144682)

Literature cited by the submitters: PubMed 33144682 (cited by 3billion).